The following is an entry in ClinVar:

NM_001458.5(FLNC):c.7780+145C>T

Genes: FLNC (filamin C; plus strand), FLNC-AS1 (FLNC antisense RNA 1; minus strand). Cytogenetic location: 7q32.1.
Variant type: single nucleotide variant.
Coding change: c.7780+145C>T on transcript NM_001458.5 (MANE Select); 145 bases into the intron after coding-DNA position 7780, C replaced by T.
Molecular consequence: intron variant.
Genome position (GRCh38, 1-based): chr7:128,857,481, C>T. VCF-style: chr7-128857481-C-T. GRCh37 (hg19) VCF-style: chr7-128497535-C-T.
Other names: c.7681+145C>T (NM_001127487.2).
Identifiers: ClinVar variation 679405 (VCV000679405.1), dbSNP rs148668184, ClinGen allele CA166195663.

ClinVar aggregate classification (germline): Likely benign (1 of 4 stars; one submission).

Allele frequency attached by ClinVar (database versions not stated): gnomAD exomes 0.00036; 1000 Genomes Project 30x 0.00250; gnomAD 0.00269 and 0.00288; 1000 Genomes Project 0.00280; TOPMed 0.00316.
gnomAD v4.1: 605 of 648,310 alleles (0.093%); highest among the groups gnomAD compares: African/African-American, 0.96%; 2 homozygotes.

Submission:

GeneDx
Classification: Likely benign. Last evaluated: 2018-06-16. Review status: criteria provided, single submitter. Criteria: GeneDx Variant Classification (06012015). Collection method: clinical testing. Allele origin: germline. Affected: yes.
Comment: This variant is considered likely benign or benign based on one or more of the following criteria: it is a conservative change, it occurs at a poorly conserved position in the protein, it is predicted to be benign by multiple in silico algorithms, and/or has population frequency not consistent with disease.